The following is an entry in ClinVar:

NM_031407.7(HUWE1):c.3623A>G (p.Lys1208Arg)

Gene: HUWE1 (HECT, UBA and WWE domain containing E3 ubiquitin protein ligase 1; minus strand). Cytogenetic location: Xp11.22.
Variant type: single nucleotide variant.
Coding change: c.3623A>G on transcript NM_031407.7 (MANE Select); coding-DNA position 3623, A replaced by G.
Protein change: p.Lys1208Arg; replaces lysine 1208 with arginine.
Molecular consequence: missense variant.
Genome position (GRCh38, 1-based): chrX:53,593,482, T>C on the plus strand (A>G on the coding strand, the complement: HUWE1 is on the minus strand). VCF-style: chrX-53593482-T-C. GRCh37 (hg19) VCF-style: chrX-53620442-T-C.
Other names: c.3623A>G, p.Lys1208Arg (NM_001441048.1, NM_001441049.1, NM_001441051.1 and 6 more transcripts); c.3644A>G, p.Lys1215Arg (NM_001441050.1, NM_001441055.1); short protein forms K1208R, K1215R.
Identifiers: ClinVar variation 5040500 (VCV005040500.1).
Genomic context (GRCh38, chrX:53,593,482, plus strand): 5'-CCAGGCAATTTGGCAGGCAGCGAATGTGGAGATTCAAGCACCGTGGTGGGATTCACCATC[T>C]TCTCCACCAGCATAAGCCAGGCATCTAGGAATTCTCCTGTGCCATCAGGCAAGTCTGAGT-3'
Protein context (NP_113584.3, residues 1198-1218): FLDAWLMLVE[Lys1208Arg]MVNPTTVLES

ClinVar aggregate classification (germline): Uncertain significance (1 of 4 stars; one submission).

Submission:

CeGaT Center for Human Genetics Tuebingen
Classification: Uncertain significance. Last evaluated: 2026-08-01. Review status: criteria provided, single submitter. Criteria: CeGaT Center For Human Genetics Tuebingen Variant Classification Criteria Version 2. Collection method: clinical testing. Allele origin: germline. Affected: yes. Observed: 1 variant allele.
Comment: HUWE1: PM2